The following is an entry in ClinVar:

ClinVar aggregate classification (germline): Uncertain significance. Review status: criteria provided, multiple submitters, no conflicts (2 of 4 stars). 2 submissions from 2 submitters: Uncertain significance (2). Last evaluated 2025-08-18.

Conditions:
Emery-Dreifuss muscular dystrophy 5, autosomal dominant (EDMD5). Also called: EMERY-DREIFUSS MUSCULAR DYSTROPHY 5. Identifiers: Orphanet 261, MedGen C2751805, MONDO:0013072, OMIM 612999.

Allele frequency attached by ClinVar (database versions not stated): gnomAD 0.00001; gnomAD exomes below 0.00001; TOPMed below 0.00001; ExAC 0.00001.
gnomAD v4.1: 5 of 1,612,610 alleles (0.00031%); highest among the groups gnomAD compares: African/African-American, 0.0013%; no homozygotes.

Submissions (2):

Labcorp Genetics (formerly Invitae), Labcorp
Classification: Uncertain significance for Emery-Dreifuss muscular dystrophy 5, autosomal dominant. Last evaluated: 2025-08-18. Review status: criteria provided, single submitter. Criteria: Invitae Variant Classification Sherloc (09022015). Collection method: clinical testing. Allele origin: germline.
Comment: This sequence change replaces alanine, which is neutral and non-polar, with valine, which is neutral and non-polar, at codon 1269 of the SYNE2 protein (p.Ala1269Val). This variant is present in population databases (rs757090585, gnomAD 0.004%). This variant has not been reported in the literature in individuals affected with SYNE2-related conditions. ClinVar contains an entry for this variant (Variation ID: 579527). An algorithm developed to predict the effect of missense changes on protein structure and function outputs the following: PolyPhen-2: "Benign". The valine amino acid residue is found in multiple mammalian species, which suggests that this missense change does not adversely affect protein function. In summary, the available evidence is currently insufficient to determine the role of this variant in disease. Therefore, it has been classified as a Variant of Uncertain Significance.

Revvity Omics, Revvity
Classification: Uncertain significance for Emery-Dreifuss muscular dystrophy 5, autosomal dominant. Last evaluated: 2020-02-28. Review status: criteria provided, single submitter. Criteria: ACMG Guidelines, 2015. Collection method: clinical testing. Allele origin: germline.

NM_182914.3(SYNE2):c.3806C>T (p.Ala1269Val)

Gene: SYNE2 (spectrin repeat containing nuclear envelope protein 2; plus strand). Cytogenetic location: 14q23.2.
Variant type: single nucleotide variant.
Coding change: c.3806C>T on transcript NM_182914.3 (MANE Select); coding-DNA position 3806, C replaced by T.
Protein change: p.Ala1269Val; replaces alanine 1269 with valine.
Molecular consequence: missense variant.
Genome position (GRCh38, 1-based): chr14:64,002,739, C>T. VCF-style: chr14-64002739-C-T. GRCh37 (hg19) VCF-style: chr14-64469457-C-T.
Other names: c.3806C>T, p.Ala1269Val (NM_015180.6); short protein forms A1269V.
Identifiers: ClinVar variation 579527 (VCV000579527.11), dbSNP rs757090585, ClinGen allele CA7220077.